The following is an entry in ClinVar:

ClinVar aggregate classification (germline): Pathogenic (1 of 4 stars; one submission).

Conditions:
Hereditary cancer-predisposing syndrome. Also called: Hereditary Cancer Syndrome; Tumor predisposition; Hereditary neoplastic syndrome; Neoplastic Syndromes, Hereditary. Identifiers: Orphanet 140162, MedGen C0027672, MeSH D009386, MONDO:0015356.

Submission:

Labcorp Genetics (formerly Invitae), Labcorp
Classification: Pathogenic for Hereditary cancer-predisposing syndrome. Last evaluated: 2022-11-11. Review status: criteria provided, single submitter. Criteria: Invitae Variant Classification Sherloc (09022015). Collection method: clinical testing. Allele origin: germline.
Comment: This sequence change creates a premature translational stop signal (p.Asp592Alafs*6) in the RAD50 gene. It is expected to result in an absent or disrupted protein product. Loss-of-function variants in RAD50 are known to be pathogenic (PMID: 19409520). This variant is not present in population databases (gnomAD no frequency). This variant has not been reported in the literature in individuals affected with RAD50-related conditions. For these reasons, this variant has been classified as Pathogenic.

Literature cited by the submitters: PubMed 19409520.

NM_005732.4(RAD50):c.1775del (p.Asp592fs)

Gene: RAD50 (RAD50 double strand break repair protein; plus strand). Cytogenetic location: 5q31.1.
Variant type: Deletion.
Coding change: c.1775del on transcript NM_005732.4 (MANE Select); coding-DNA position 1775, one base deleted (A; older notation c.1775delA).
Protein change: p.Asp592fs; shifts the reading frame from aspartic acid 592.
Molecular consequence: frameshift variant.
Genome position (GRCh38, 1-based): chr5:132,592,016, A deleted. VCF-style (leftmost placement, unchanged base first): chr5-132592015-GA-G. GRCh37 (hg19) VCF-style: chr5-131927707-GA-G.
Other names: short protein forms D592fs.
Identifiers: ClinVar variation 2186178 (VCV002186178.4), dbSNP rs2479643878, ClinGen allele CA2580072739.